The following is an entry in ClinVar:

NM_001292063.2(OTOG):c.6266G>A (p.Arg2089His)

Gene: OTOG (otogelin; plus strand). Cytogenetic location: 11p15.1.
Variant type: single nucleotide variant.
Coding change: c.6266G>A on transcript NM_001292063.2 (MANE Select); coding-DNA position 6266, G replaced by A.
Protein change: p.Arg2089His; replaces arginine 2089 with histidine.
Molecular consequence: missense variant.
Genome position (GRCh38, 1-based): chr11:17,612,304, G>A. VCF-style: chr11-17612304-G-A. GRCh37 (hg19) VCF-style: chr11-17633851-G-A.
Other names: c.6302G>A, p.Arg2101His (NM_001277269.2); c.6302G>A (NM_001277269.1); short protein forms R2089H, R2101H.
Identifiers: ClinVar variation 1984113 (VCV001984113.5), dbSNP rs949082330, ClinGen allele CA379803930.

ClinVar aggregate classification (germline): Uncertain significance. Review status: criteria provided, multiple submitters, no conflicts (2 of 4 stars). 2 submissions from 2 submitters: Uncertain significance (2). Last evaluated 2024-07-08.

Allele frequency attached by ClinVar (database versions not stated): gnomAD 0.00002.
gnomAD v4.1: 11 of 1,538,694 alleles (0.00071%); highest among the groups gnomAD compares: Middle Eastern, 0.017%; no homozygotes.

Submissions (2):

GeneDx
Classification: Uncertain significance. Last evaluated: 2024-07-08. Review status: criteria provided, single submitter. Criteria: GeneDx Variant Classification Process June 2021. Collection method: clinical testing. Allele origin: germline. Affected: yes.
Comment: Not observed at significant frequency in large population cohorts (gnomAD); In silico analysis indicates that this missense variant does not alter protein structure/function; Has not been previously published as pathogenic or benign to our knowledge

Labcorp Genetics (formerly Invitae), Labcorp
Classification: Uncertain significance. Last evaluated: 2022-02-25. Review status: criteria provided, single submitter. Criteria: Invitae Variant Classification Sherloc (09022015). Collection method: clinical testing. Allele origin: germline.
Comment: This sequence change replaces arginine, which is basic and polar, with histidine, which is basic and polar, at codon 2101 of the OTOG protein (p.Arg2101His). This variant is not present in population databases (gnomAD no frequency). In summary, the available evidence is currently insufficient to determine the role of this variant in disease. Therefore, it has been classified as a Variant of Uncertain Significance. Algorithms developed to predict the effect of missense changes on protein structure and function output the following: SIFT: "Tolerated"; PolyPhen-2: "Benign"; Align-GVGD: "Class C0". The histidine amino acid residue is found in multiple mammalian species, which suggests that this missense change does not adversely affect protein function. This variant has not been reported in the literature in individuals affected with OTOG-related conditions.